The following is an entry in ClinVar:

ClinVar aggregate classification (germline): Uncertain significance (1 of 4 stars; one submission).

Conditions:
Mucopolysaccharidosis, MPS-IV-A (MPS4A). Also called: Mucopolysaccharidosis type IV A; Mucopolysaccharidosis Type IVA; Morquio syndrome A, mild; MORQUIO SYNDROME A; MPS IVA; mucopolysaccharidosis type 4A. Identifiers: Orphanet 309297, Orphanet 582, MedGen C0086651, MONDO:0009659, OMIM 253000.

Submission:

Laboratory of Diagnosis and Therapy of Lysosomal Disorders, University of Padova
Classification: Uncertain significance for Mucopolysaccharidosis, MPS-IV-A. Last evaluated: 2021-02-01. Review status: criteria provided, single submitter. Criteria: ACMG Guidelines, 2015. Collection method: curation. Allele origin: germline. Affected: yes.
Comment: Absent from gnomAD v2.1.1 (PM2_moderate); multiple lines of computational evidence support a deleterious effect on the gene (PP3_supporting)

Literature cited by the submitters: PubMed 31200731; PubMed 34387910.

NM_000512.5(GALNS):c.503G>T (p.Gly168Val)

Gene: GALNS (galactosamine (N-acetyl)-6-sulfatase; minus strand). Cytogenetic location: 16q24.3.
Variant type: single nucleotide variant.
Coding change: c.503G>T on transcript NM_000512.5 (MANE Select); coding-DNA position 503, G replaced by T.
Protein change: p.Gly168Val; replaces glycine 168 with valine.
Molecular consequence: missense variant. On other transcripts: 5 prime UTR variant (1).
Genome position (GRCh38, 1-based): chr16:88,837,685, C>A on the plus strand (G>T on the coding strand, the complement: GALNS is on the minus strand). VCF-style: chr16-88837685-C-A. GRCh37 (hg19) VCF-style: chr16-88904093-C-A.
Other names: c.-53G>T (NM_001323543.2); c.521G>T, p.Gly174Val (NM_001323544.2); short protein forms G168V, G174V.
Identifiers: ClinVar variation 1048281 (VCV001048281.3), dbSNP rs2143002375, ClinGen allele CA397082886.